The following is an entry in ClinVar:

NC_000001.11:g.20660987_20660992del

Gene: DDOST (dolichyl-diphosphooligosaccharide--protein glycosyltransferase non-catalytic subunit; minus strand). Cytogenetic location: 1p36.12.
Variant type: Deletion.
Genome position: GRCh38 VCF-style: chr1-20660985-CCCCGGT-C. GRCh37 (hg19) VCF-style: chr1-20987478-CCCCGGT-C.
Identifiers: ClinVar variation 295158 (VCV000295158.10), dbSNP rs769669810, ClinGen allele CA661335.

ClinVar aggregate classification (germline): Uncertain significance (1 of 4 stars; one submission).

Conditions:
Congenital disorder of glycosylation type Ir (CDG1R). Also called: DDOST-congenital disorder of glycosylation. Identifiers: Orphanet 300536, MedGen C3281084, MONDO:0013789, OMIM 614507.

Submission:

Labcorp Genetics (formerly Invitae), Labcorp
Classification: Uncertain significance for Congenital disorder of glycosylation type Ir. Last evaluated: 2023-12-19. Review status: criteria provided, single submitter. Criteria: Invitae Variant Classification Sherloc (09022015). Collection method: clinical testing. Allele origin: germline.
Comment: This variant, c.206_211del, results in the deletion of 2 amino acid(s) of the DDOST protein (p.Asp69_Arg70del), but otherwise preserves the integrity of the reading frame. This variant is present in population databases (rs769669810, gnomAD 0.02%). This variant has not been reported in the literature in individuals affected with DDOST-related conditions. ClinVar contains an entry for this variant (Variation ID: 295158). Experimental studies and prediction algorithms are not available or were not evaluated, and the functional significance of this variant is currently unknown. Algorithms developed to predict the effect of sequence changes on RNA splicing suggest that this variant may disrupt the consensus splice site. In summary, the available evidence is currently insufficient to determine the role of this variant in disease. Therefore, it has been classified as a Variant of Uncertain Significance.